The following is an entry in ClinVar:

ClinVar aggregate classification (germline): Pathogenic. Review status: criteria provided, single submitter (1 of 4 stars). 3 submissions from 2 submitters: Pathogenic (1). 2 of the submissions do not count toward it. Last evaluated 2025-05-22.

Conditions:
Lesch-Nyhan syndrome (LNS). Also called: HPRT DEFICIENCY, COMPLETE; Lesch-Nyhan Disease (LND). Identifiers: Orphanet 510, MedGen C0023374, MONDO:0010298, OMIM 300322.
Partial hypoxanthine-guanine phosphoribosyltransferase deficiency. Also called: HPRT DEFICIENCY, PARTIAL; HYPOXANTHINE GUANINE PHOSPHORIBOSYLTRANSFERASE 1 DEFICIENCY, PARTIAL; HPRT1 DEFICIENCY, PARTIAL; Kelley-Seegmiller Syndrome; GOUT, HPRT-RELATED. Identifiers: Orphanet 79233, MedGen C0268117, MONDO:0010299, OMIM 300323.
HPRT CHERMSIDE.

Submissions (3):

Labcorp Genetics (formerly Invitae), Labcorp
Classification: Pathogenic for Lesch-Nyhan syndrome; Partial hypoxanthine-guanine phosphoribosyltransferase deficiency. Last evaluated: 2025-05-22. Review status: criteria provided, single submitter. Criteria: Invitae Variant Classification Sherloc (09022015). Collection method: clinical testing. Allele origin: germline.
Comment: This sequence change affects a donor splice site in intron 6 of the HPRT1 gene. It is expected to disrupt RNA splicing. Variants that disrupt the donor or acceptor splice site typically lead to a loss of protein function (PMID: 16199547), and loss-of-function variants in HPRT1 are known to be pathogenic (PMID: 15571220, 17027311, 22157001). This variant is not present in population databases (gnomAD no frequency). Disruption of this splice site has been observed in individual(s) with clinical features of HPRT1-related conditions (PMID: 1840549, 18779430, 20638392). It has also been observed to segregate with disease in related individuals. ClinVar contains an entry for this variant (Variation ID: 10077). Algorithms developed to predict the effect of sequence changes on RNA splicing suggest that this variant may disrupt the consensus splice site. For these reasons, this variant has been classified as Pathogenic.

OMIM
Classification: Pathogenic for LESCH-NYHAN SYNDROME. Last evaluated: 1991-12-15. Review status: no assertion criteria provided. Collection method: literature only. Allele origin: germline. Not counted in ClinVar's aggregate classification.

OMIM
Classification: Pathogenic for HPRT CHERMSIDE. Last evaluated: 1991-12-15. Review status: no assertion criteria provided. Collection method: literature only. Allele origin: germline. Not counted in ClinVar's aggregate classification.

Literature cited by the submitters: PubMed 16199547 (cited by Labcorp Genetics (formerly Invitae), Labcorp); PubMed 15571220 (cited by Labcorp Genetics (formerly Invitae), Labcorp); PubMed 17027311 (cited by Labcorp Genetics (formerly Invitae), Labcorp); PubMed 22157001 (cited by Labcorp Genetics (formerly Invitae), Labcorp); PubMed 1840549 (cited by Labcorp Genetics (formerly Invitae), Labcorp and OMIM); PubMed 18779430 (cited by Labcorp Genetics (formerly Invitae), Labcorp); PubMed 20638392 (cited by Labcorp Genetics (formerly Invitae), Labcorp).

HPRT CHERMSIDE

Gene: HPRT1 (hypoxanthine phosphoribosyltransferase 1; plus strand). Cytogenetic location: Xq26.2.
Variant type: single nucleotide variant.
Molecular consequence: splice donor variant (on NM_000194.3).
Genome position: GRCh38 VCF-style: chrX-134493591-G-A. GRCh37 (hg19) VCF-style: chrX-133627621-G-A.
Other names: EX6DEL; c.485+1G>A (NM_000194.3).
Identifiers: ClinVar variation 10077 (VCV000010077.5), dbSNP rs2077673385, ClinGen allele CA414714619.